The following is an entry in ClinVar:

ClinVar aggregate classification (germline): Uncertain significance (1 of 4 stars; one submission).

Conditions:
Inborn genetic diseases. Identifiers: MedGen C0950123, MeSH D030342.

Submission:

Ambry Genetics
Classification: Uncertain significance for Inborn genetic diseases. Last evaluated: 2023-05-08. Review status: criteria provided, single submitter. Criteria: Ambry Variant Classification Scheme 2023. Collection method: clinical testing. Allele origin: germline.
Comment: The p.L1830V variant (also known as c.5488T>G), located in coding exon 37 of the LRRK2 gene, results from a T to G substitution at nucleotide position 5488. The leucine at codon 1830 is replaced by valine, an amino acid with highly similar properties. This amino acid position is conserved. In addition, the in silico prediction for this alteration is inconclusive. Since supporting evidence is limited at this time, the clinical significance of this alteration remains unclear.

NM_198578.4(LRRK2):c.5488T>G (p.Leu1830Val)

Gene: LRRK2 (leucine rich repeat kinase 2; plus strand). Cytogenetic location: 12q12.
Variant type: single nucleotide variant.
Coding change: c.5488T>G on transcript NM_198578.4 (MANE Select); coding-DNA position 5488, T replaced by G.
Protein change: p.Leu1830Val; replaces leucine 1830 with valine.
Molecular consequence: missense variant.
Genome position (GRCh38, 1-based): chr12:40,322,489, T>G. VCF-style: chr12-40322489-T-G. GRCh37 (hg19) VCF-style: chr12-40716291-T-G.
Other names: short protein forms L1830V.
Identifiers: ClinVar variation 2567391 (VCV002567391.2), dbSNP rs2499885885, ClinGen allele CA384420881.
Genomic context (GRCh38, chr12:40,322,489, plus strand): 5'-AAATGGGCATTATATAGTTTTAATGATGGTGAAGAACATCAAAAAATCTTACTTGATGAC[T>G]TGATGAAGAAAGCAGAGGAAGGTATGTTTTGATACAACTTACAAATGCTTTTAAGTGATC-3'
Protein context (NP_940980.4, residues 1820-1840): EEHQKILLDD[Leu1830Val]MKKAEEGDLL